The following is an entry in ClinVar:

ClinVar aggregate classification (germline): Benign/Likely benign. Review status: criteria provided, multiple submitters, no conflicts (2 of 4 stars). 5 submissions from 5 submitters: Benign (1); Likely benign (2). 2 of the submissions do not count toward it. Last evaluated 2025-10-09.

Conditions:
LDB3-related disorder. Also called: LDB3-related condition.
Dilated cardiomyopathy 1C (CMD1C). Also called: CARDIOMYOPATHY, DILATED, 1C, WITH OR WITHOUT LEFT VENTRICULAR NONCOMPACTION; Cardiomyopathy, dilated, 1C, with or without LVNC. Identifiers: Orphanet 154, Orphanet 54260, MedGen C1832244, MONDO:0011094, OMIM 601493.
Myofibrillar myopathy 4. Also called: Zaspopathy (type). Identifiers: Orphanet 98912, MedGen C4721886, MONDO:0012277, OMIM 609452.

Allele frequency attached by ClinVar (database versions not stated): TOPMed 0.00004; ESP Exome Variant Server 0.00008; gnomAD 0.00002 and 0.00011; 1000 Genomes Project 0.00120; 1000 Genomes Project 30x 0.00125.
gnomAD v4.1: 305 of 1,614,200 alleles (0.019%); highest among the groups gnomAD compares: South Asian, 0.27%; 4 homozygotes.

Submissions (5):

Labcorp Genetics (formerly Invitae), Labcorp
Classification: Benign for Myofibrillar myopathy 4. Last evaluated: 2025-10-09. Review status: criteria provided, single submitter. Criteria: Invitae Variant Classification Sherloc (09022015). Collection method: clinical testing. Allele origin: germline.

Blueprint Genetics
Classification: Likely benign. Last evaluated: 2024-11-08. Review status: criteria provided, single submitter. Criteria: ACMG Guidelines, 2015. Collection method: clinical testing. Allele origin: germline.

Laboratory for Molecular Medicine, Mass General Brigham Personalized Medicine
Classification: Likely benign. Last evaluated: 2015-02-02. Review status: criteria provided, single submitter. Criteria: LMM Criteria. Collection method: clinical testing. Allele origin: germline. Observed: 2 variant alleles.
Comment: p.Ala152Ala in exon 6 of LDB3: This variant is not expected to have clinical sig nificance because it does not alter an amino acid residue, is not located within the splice consensus sequence, and has been identified in 0.3% (49/16512) of So uth Asian chromosomes by the Exome Aggregation Consortium (ExAC).

PreventionGenetics, part of Exact Sciences
Classification: Likely benign for LDB3-related condition. Last evaluated: 2019-10-29. Review status: no assertion criteria provided. Collection method: clinical testing. Allele origin: germline. Not counted in ClinVar's aggregate classification.
Comment: This variant is classified as likely benign based on ACMG/AMP sequence variant interpretation guidelines (Richards et al. 2015 PMID: 25741868, with internal and published modifications).

Cytogenetics- Mohapatra Lab, Banaras Hindu University
Classification: Uncertain significance for Dilated cardiomyopathy 1C. Last evaluated: 2015-02-04. Review status: no assertion criteria provided. Collection method: case-control. Allele origin: unknown. Affected: yes. Observed: 1 variant allele. Not counted in ClinVar's aggregate classification.

NM_001368067.1(LDB3):c.456G>A (p.Ala152=)

Genes: LDB3 (LIM domain binding 3; plus strand), LOC110121486 (VISTA enhancer hs2143; plus strand). Cytogenetic location: 10q23.2.
Variant type: single nucleotide variant.
Coding change: c.456G>A on transcript NM_001368067.1 (MANE Plus Clinical); coding-DNA position 456, G replaced by A.
Protein change: p.Ala152=; no amino-acid change (alanine 152 retained).
Molecular consequence: synonymous variant. On other transcripts: intron variant (5).
Genome position (GRCh38, 1-based): chr10:86,687,180, G>A. VCF-style: chr10-86687180-G-A. GRCh37 (hg19) VCF-style: chr10-88446937-G-A.
Other names: c.456G>A, p.Ala152= (NM_001080116.1, NM_001080114.2, NM_001368066.1 and 1 more transcripts); c.801G>A, p.Ala267= (NM_001171610.2, NM_001171611.2); c.690-4716G>A (NM_001368064.1, NM_001368063.1, NM_007078.3 and 2 more transcripts); c.456G>A (NM_001080114.1).
Identifiers: ClinVar variation 179019 (VCV000179019.29), dbSNP rs371708921, ClinGen allele CA183520.